The following is an entry in ClinVar:

ClinVar aggregate classification (germline): Pathogenic (1 of 4 stars; one submission).

Conditions:
Cohen syndrome (COH1). Also called: Cutis verticis gyrata, retinitis pigmentosa, and sensorineural deafness; PEPPER SYNDROME. Identifiers: Orphanet 193, MedGen C0265223, MONDO:0008999, OMIM 216550.

Submission:

Labcorp Genetics (formerly Invitae), Labcorp
Classification: Pathogenic for Cohen syndrome. Last evaluated: 2022-02-08. Review status: criteria provided, single submitter. Criteria: Invitae Variant Classification Sherloc (09022015). Collection method: clinical testing. Allele origin: germline.
Comment: This sequence change creates a premature translational stop signal (p.Arg237Serfs*5) in the VPS13B gene. It is expected to result in an absent or disrupted protein product. Loss-of-function variants in VPS13B are known to be pathogenic (PMID: 15141358, 16648375, 20461111). This variant is not present in population databases (gnomAD no frequency). This variant has not been reported in the literature in individuals affected with VPS13B-related conditions. For these reasons, this variant has been classified as Pathogenic.

Literature cited by the submitters: PubMed 15141358; PubMed 16648375; PubMed 20461111.

NM_152564.5(VPS13B):c.709_713del (p.Arg237fs)

Gene: VPS13B (vacuolar protein sorting 13 homolog B; plus strand). Cytogenetic location: 8q22.2.
Variant type: Deletion.
Coding change: c.709_713del on transcript NM_152564.5 (MANE Select); coding-DNA positions 709 to 713, 5 bases deleted (CGTCT; older notation c.709_713delCGTCT).
Protein change: p.Arg237fs; shifts the reading frame from arginine 237.
Molecular consequence: frameshift variant. On other transcripts: non-coding transcript variant (1).
Genome position (GRCh38, 1-based): chr8:99,111,226-99,111,230, CGTCT deleted; deleting any 5 consecutive bases within chr8:99,111,224-99,111,230 gives the same sequence; the c. name uses the placement nearest the transcript's 3' end. VCF-style (leftmost placement, unchanged base first): chr8-99111223-ACTCGT-A. GRCh37 (hg19) VCF-style: chr8-100123451-ACTCGT-A.
Other names: c.709_713del, p.Arg237fs (NM_015243.3, NM_017890.5, NM_181661.3); short protein forms R237fs.
Identifiers: ClinVar variation 2091109 (VCV002091109.4), dbSNP rs2488672432, ClinGen allele CA2580079104.